The following is an entry in ClinVar:

ClinVar aggregate classification (germline): Uncertain significance (1 of 4 stars; one submission).

Submission:

Labcorp Genetics (formerly Invitae), Labcorp
Classification: Uncertain significance. Last evaluated: 2022-09-26. Review status: criteria provided, single submitter. Criteria: Invitae Variant Classification Sherloc (09022015). Collection method: clinical testing. Allele origin: germline.
Comment: This sequence change replaces lysine, which is basic and polar, with threonine, which is neutral and polar, at codon 362 of the NEK2 protein (p.Lys362Thr). This variant is not present in population databases (gnomAD no frequency). This variant has not been reported in the literature in individuals affected with NEK2-related conditions. ClinVar contains an entry for this variant (Variation ID: 1504885). Algorithms developed to predict the effect of missense changes on protein structure and function (SIFT, PolyPhen-2, Align-GVGD) all suggest that this variant is likely to be tolerated. In summary, the available evidence is currently insufficient to determine the role of this variant in disease. Therefore, it has been classified as a Variant of Uncertain Significance.

NM_002497.4(NEK2):c.1085A>C (p.Lys362Thr)

Gene: NEK2 (NIMA related kinase 2; minus strand). Cytogenetic location: 1q32.3.
Variant type: single nucleotide variant.
Coding change: c.1085A>C on transcript NM_002497.4 (MANE Select); coding-DNA position 1085, A replaced by C.
Protein change: p.Lys362Thr; replaces lysine 362 with threonine.
Molecular consequence: missense variant.
Genome position (GRCh38, 1-based): chr1:211,667,132, T>G on the plus strand (A>C on the coding strand, the complement: NEK2 is on the minus strand). VCF-style: chr1-211667132-T-G. GRCh37 (hg19) VCF-style: chr1-211840474-T-G.
Other names: c.1085A>C, p.Lys362Thr (NM_001204182.2, NM_001204183.2); short protein forms K362T.
Identifiers: ClinVar variation 1504885 (VCV001504885.6), dbSNP rs973068064, ClinGen allele CA36820668.